The following is an entry in ClinVar:

ClinVar aggregate classification (germline): Likely pathogenic (1 of 4 stars; one submission).

Conditions:
Pontocerebellar hypoplasia, type 11. Identifiers: Orphanet 611247, MedGen C4540164, MONDO:0054669, OMIM 617695.

Submission:

Revvity Omics, Revvity
Classification: Likely pathogenic for Pontocerebellar hypoplasia, type 11. Last evaluated: 2022-09-09. Review status: criteria provided, single submitter. Criteria: ACMG Guidelines, 2015. Collection method: clinical testing. Allele origin: germline.

NM_001199198.3(TBC1D23):c.630del (p.Thr211fs)

Gene: TBC1D23 (TBC1 domain family member 23; plus strand). Cytogenetic location: 3q12.1.
Variant type: Deletion.
Coding change: c.630del on transcript NM_001199198.3 (MANE Select); coding-DNA position 630, one base deleted (C; older notation c.630delC).
Protein change: p.Thr211fs; shifts the reading frame from threonine 211.
Molecular consequence: frameshift variant.
Genome position (GRCh38, 1-based): chr3:100,295,116, C deleted; the last of 2 consecutive C bases (chr3:100,295,115-100,295,116); deleting either gives the same sequence. VCF-style (leftmost placement, unchanged base first): chr3-100295114-TC-T. GRCh37 (hg19) VCF-style: chr3-100013958-TC-T.
Other names: c.630del, p.Thr211fs (NM_018309.5); short protein forms T211fs.
Identifiers: ClinVar variation 1323675 (VCV001323675.6), dbSNP rs1354130291, ClinGen allele CA896087829.
Genomic context (GRCh38, chr3:100,295,114, plus strand): 5'-GTTTATGTCTCTCATTTCATTTCCTGATTACAGCTTGGAAGTCTTTTTGCATGTTACTGT[TC>T]CACTGAAGTCACTCAGGCAATATGGGATGGATATCTACAACAAGCAGATCCATTTTTTAT-3'